The following is an entry in ClinVar:

ClinVar aggregate classification (germline): Uncertain significance (1 of 4 stars; one submission).

Conditions:
Primary hyperoxaluria, type I (HP1). Also called: OXALOSIS I; Primary hyperoxaluria type 1; GLYCOLIC ACIDURIA; HEPATIC AGT DEFICIENCY. Identifiers: Orphanet 416, Orphanet 93598, MedGen C0268164, MONDO:0009823, OMIM 259900. Disease mechanism: loss of function.

Submission:

Clinical Biochemistry Laboratory, Health Services Laboratory
Classification: Uncertain significance for Primary hyperoxaluria, type I. Last evaluated: 2023-10-27. Review status: criteria provided, single submitter. Criteria: ACMG Guidelines, 2015. Collection method: curation. Allele origin: germline. Affected: yes.
Comment: ACMG: PM2 PP2 PP3

Literature cited by the submitters: PubMed 36185032.

NM_000030.3(AGXT):c.536T>C (p.Leu179Pro)

Gene: AGXT (alanine--glyoxylate aminotransferase; plus strand). Cytogenetic location: 2q37.3.
Variant type: single nucleotide variant.
Coding change: c.536T>C on transcript NM_000030.3 (MANE Select); coding-DNA position 536, T replaced by C.
Protein change: p.Leu179Pro; replaces leucine 179 with proline.
Molecular consequence: missense variant.
Genome position (GRCh38, 1-based): chr2:240,872,990, T>C. VCF-style: chr2-240872990-T-C. GRCh37 (hg19) VCF-style: chr2-241812407-T-C.
Other names: short protein forms L179P.
Identifiers: ClinVar variation 2681170 (VCV002681170.1), dbSNP rs2528749656, ClinGen allele CA351316519.